The following is an entry in ClinVar:

ClinVar aggregate classification (germline): Likely benign (1 of 4 stars; one submission).

gnomAD v4.1: 2 of 1,614,016 alleles (0.00012%); highest among the groups gnomAD compares: Non-Finnish European, 0.00017%; no homozygotes.

Submission:

Women's Health and Genetics/Laboratory Corporation of America, LabCorp
Classification: Likely benign. Last evaluated: 2024-07-02. Review status: criteria provided, single submitter. Criteria: LabCorp Variant Classification Summary - May 2015. Collection method: clinical testing. Allele origin: germline.
Comment: Variant summary: CAMK2B c.486C>A alters a conserved nucleotide resulting in a synonymous change. Consensus agreement among computation tools predict no significant impact on normal splicing. However, these predictions have yet to be confirmed by functional studies. The variant was absent in 251410 control chromosomes. The available data on variant occurrences in the general population are insufficient to allow any conclusion about variant significance. To our knowledge, no occurrence of c.486C>A in individuals affected with Intellectual Disability, Autosomal Dominant 54 and no experimental evidence demonstrating its impact on protein function have been reported. ClinVar contains an entry for a different variant resulting in the same synonymous change (Variation ID: 2880918). Based on the evidence outlined above, the variant was classified as likely benign.

NM_001220.5(CAMK2B):c.486C>A (p.Ile162=)

Gene: CAMK2B (calcium/calmodulin dependent protein kinase II beta; minus strand). Cytogenetic location: 7p13.
Variant type: single nucleotide variant.
Coding change: c.486C>A on transcript NM_001220.5 (MANE Select); coding-DNA position 486, C replaced by A.
Protein change: p.Ile162=; no amino-acid change (isoleucine 162 retained).
Molecular consequence: synonymous variant.
Genome position (GRCh38, 1-based): chr7:44,243,456, G>T on the plus strand (C>A on the coding strand, the complement: CAMK2B is on the minus strand). VCF-style: chr7-44243456-G-T. GRCh37 (hg19) VCF-style: chr7-44283055-G-T.
Other names: c.486C>A, p.Ile162= (NM_001293170.2, NM_172078.3, NM_172079.3 and 5 more transcripts).
Identifiers: ClinVar variation 3339174 (VCV003339174.1).